The following is an entry in ClinVar:

NM_000021.4(PSEN1):c.370A>G (p.Thr124Ala)

Gene: PSEN1 (presenilin 1; plus strand). Cytogenetic location: 14q24.2.
Variant type: single nucleotide variant.
Coding change: c.370A>G on transcript NM_000021.4 (MANE Select); coding-DNA position 370, A replaced by G.
Protein change: p.Thr124Ala; replaces threonine 124 with alanine.
Molecular consequence: missense variant.
Genome position (GRCh38, 1-based): chr14:73,173,597, A>G. VCF-style: chr14-73173597-A-G. GRCh37 (hg19) VCF-style: chr14-73640305-A-G.
Other names: c.358A>G, p.Thr120Ala (NM_007318.3); short protein forms T120A, T124A.
Identifiers: ClinVar variation 1428967 (VCV001428967.8), dbSNP rs771002035, ClinGen allele CA7256725.

ClinVar aggregate classification (germline): Uncertain significance (1 of 4 stars; one submission).

Conditions:
Pick disease. Also called: Pick Disease of the Brain; DEMENTIA WITH LOBAR ATROPHY AND NEURONAL CYTOPLASMIC INCLUSIONS; PICK DISEASE OF BRAIN; Pick's disease; LOBAR ATROPHY OF BRAIN. Identifiers: Orphanet 282, MedGen C0236642, MONDO:0008243, OMIM 172700.
Alzheimer disease 3 (AD3). Also called: ALZHEIMER DISEASE, FAMILIAL, 3. Identifiers: Orphanet 1020, MedGen C1843013, MONDO:0011913, OMIM 607822.
Frontotemporal dementia (FTD1). Also called: Frontotemporal lobe dementia (FLDEM); FRONTOTEMPORAL DEMENTIA WITH PARKINSONISM; FRONTOTEMPORAL LOBE DEMENTIA; WILHELMSEN-LYNCH DISEASE; Frontotemporal Dementia with Parkinsonism-17 (FTDP-17); Dementia, frontotemporal, with or without parkinsonism. Identifiers: Orphanet 282, MedGen C0338451, MONDO:0017276, OMIM 600274, HP:0002145.
Acne inversa, familial, 3 (ACNINV3). Identifiers: MedGen C3151038, MONDO:0013398, OMIM 613737.

Allele frequency attached by ClinVar (database versions not stated): gnomAD exomes below 0.00001; ExAC 0.00001; gnomAD 0.00001; TOPMed 0.00001.
gnomAD v4.1: 5 of 1,613,928 alleles (0.00031%); no homozygotes.

Submission:

Labcorp Genetics (formerly Invitae), Labcorp
Classification: Uncertain significance for Alzheimer disease 3; Pick disease; Acne inversa, familial, 3; Frontotemporal dementia. Last evaluated: 2021-05-13. Review status: criteria provided, single submitter. Criteria: Invitae Variant Classification Sherloc (09022015). Collection method: clinical testing. Allele origin: germline.
Comment: This variant has not been reported in the literature in individuals with PSEN1-related conditions. Algorithms developed to predict the effect of missense changes on protein structure and function are either unavailable or do not agree on the potential impact of this missense change (SIFT: "Tolerated"; PolyPhen-2: "Possibly Damaging"; Align-GVGD: "Class C0"). In summary, the available evidence is currently insufficient to determine the role of this variant in disease. Therefore, it has been classified as a Variant of Uncertain Significance. This variant is present in population databases (rs771002035, ExAC 0.001%). This sequence change replaces threonine with alanine at codon 124 of the PSEN1 protein (p.Thr124Ala). The threonine residue is moderately conserved and there is a small physicochemical difference between threonine and alanine.